The following is an entry in ClinVar:

ClinVar aggregate classification (germline): Uncertain significance (1 of 4 stars; one submission).

Conditions:
Hereditary cancer-predisposing syndrome. Also called: Tumor predisposition; Neoplastic Syndromes, Hereditary; Hereditary neoplastic syndrome; Hereditary Cancer Syndrome. Identifiers: Orphanet 140162, MedGen C0027672, MeSH D009386, MONDO:0015356.

gnomAD v4.1: 1 of 1,605,608 alleles (0.000062%); highest among the groups gnomAD compares: Non-Finnish European, 0.000085%; no homozygotes.

Submission:

Ambry Genetics
Classification: Uncertain significance for Hereditary cancer-predisposing syndrome. Last evaluated: 2025-07-17. Review status: criteria provided, single submitter. Criteria: Ambry Variant Classification Scheme 2023. Collection method: clinical testing. Allele origin: germline.
Comment: The p.F346L variant (also known as c.1038C>G), located in coding exon 1 of the MET gene, results from a C to G substitution at nucleotide position 1038. The phenylalanine at codon 346 is replaced by leucine, an amino acid with highly similar properties. This amino acid position is highly conserved in available vertebrate species. In addition, the in silico prediction for this alteration is inconclusive. Based on the available evidence, the clinical significance of this variant remains unclear.

NM_000245.4(MET):c.1038C>G (p.Phe346Leu)

Gene: MET (MET proto-oncogene, receptor tyrosine kinase; plus strand). Cytogenetic location: 7q31.2.
Variant type: single nucleotide variant.
Coding change: c.1038C>G on transcript NM_000245.4 (MANE Select); coding-DNA position 1038, C replaced by G.
Protein change: p.Phe346Leu; replaces phenylalanine 346 with leucine.
Molecular consequence: missense variant. On other transcripts: intron variant (1).
Genome position (GRCh38, 1-based): chr7:116,700,122, C>G. VCF-style: chr7-116700122-C-G. GRCh37 (hg19) VCF-style: chr7-116340176-C-G.
Other names: c.1038C>G, p.Phe346Leu (NM_001127500.3, NM_001324401.3); c.-91+27545C>G (NM_001324402.2); short protein forms F346L.
Identifiers: ClinVar variation 4106755 (VCV004106755.1).